The following is an entry in ClinVar:

ClinVar aggregate classification (germline): Uncertain significance (1 of 4 stars; one submission).

gnomAD v4.1: 5 of 1,614,024 alleles (0.00031%); highest among the groups gnomAD compares: African/African-American, 0.0027%; no homozygotes.

Submission:

Labcorp Genetics (formerly Invitae), Labcorp
Classification: Uncertain significance. Last evaluated: 2025-10-23. Review status: criteria provided, single submitter. Criteria: Invitae Variant Classification Sherloc (09022015). Collection method: clinical testing. Allele origin: germline.
Comment: This sequence change replaces histidine, which is basic and polar, with arginine, which is basic and polar, at codon 489 of the HYOU1 protein (p.His489Arg). This variant is present in population databases (no rsID available, gnomAD 0.004%). This variant has not been reported in the literature in individuals affected with HYOU1-related conditions. An algorithm developed to predict the effect of missense changes on protein structure and function (PolyPhen-2) suggests that this variant is likely to be tolerated. In summary, the available evidence is currently insufficient to determine the role of this variant in disease. Therefore, it has been classified as a Variant of Uncertain Significance.

NM_006389.5(HYOU1):c.1466A>G (p.His489Arg)

Gene: HYOU1 (hypoxia up-regulated 1; minus strand). Cytogenetic location: 11q23.3.
Variant type: single nucleotide variant.
Coding change: c.1466A>G on transcript NM_006389.5 (MANE Select); coding-DNA position 1466, A replaced by G.
Protein change: p.His489Arg; replaces histidine 489 with arginine.
Molecular consequence: missense variant.
Genome position (GRCh38, 1-based): chr11:119,051,498, T>C on the plus strand (A>G on the coding strand, the complement: HYOU1 is on the minus strand). VCF-style: chr11-119051498-T-C. GRCh37 (hg19) VCF-style: chr11-118922210-T-C.
Other names: c.1466A>G, p.His489Arg (NM_001130991.3, NM_001411041.1); short protein forms H489R.
Identifiers: ClinVar variation 4797809 (VCV004797809.1).
Genomic context (GRCh38, chr11:119,051,498, plus strand): 5'-CGAAGATCTTCAGGCCCCAGGAAGCCCAGGTCGCCGTAGTTGATGTGGAAGTTGAAATCA[T>C]GGCTGTAGCGGTTAAAGGTGATGACTTTGCGTTGAGGGTAGGGCCCCATCCGAGAGAAGA-3'
Protein context (NP_006380.1, residues 479-499): RKVITFNRYS[His489Arg]DFNFHINYGD